The following is an entry in ClinVar:

NM_024675.4(PALB2):c.1115G>C (p.Ser372Thr)

Gene: PALB2 (partner and localizer of BRCA2; minus strand). Cytogenetic location: 16p12.2.
Variant type: single nucleotide variant.
Coding change: c.1115G>C on transcript NM_024675.4 (MANE Select); coding-DNA position 1115, G replaced by C.
Protein change: p.Ser372Thr; replaces serine 372 with threonine.
Molecular consequence: missense variant.
Genome position (GRCh38, 1-based): chr16:23,635,431, C>G on the plus strand (G>C on the coding strand, the complement: PALB2 is on the minus strand). VCF-style: chr16-23635431-C-G. GRCh37 (hg19) VCF-style: chr16-23646752-C-G.
Other names: short protein forms S372T.
Identifiers: ClinVar variation 188377 (VCV000188377.19), dbSNP rs786204243, ClinGen allele CA334752.
Genomic context (GRCh38, chr16:23,635,431, plus strand): 5'-TCTGCAGAAAGAGGAGAGGTTGCTTCCAGGCTAAGACTCTTAGGTTGACTTAGAATCTCA[C>G]TTTCCTGAAGATTTTCATTCCTGCCATCAAGAGTGTCACTGGGAGATTTTAAAGATTTCT-3'
Protein context (NP_078951.2, residues 362-382): LDGRNENLQE[Ser372Thr]EILSQPKSLS

ClinVar aggregate classification (germline): Conflicting classifications of pathogenicity. Review status: criteria provided, conflicting classifications (1 of 4 stars). 5 submissions from 5 submitters: Uncertain significance (3); Likely benign (2). Last evaluated 2025-08-11.

Conditions:
Hereditary cancer-predisposing syndrome. Also called: Tumor predisposition; Neoplastic Syndromes, Hereditary; Hereditary neoplastic syndrome; Hereditary Cancer Syndrome. Identifiers: Orphanet 140162, MedGen C0027672, MeSH D009386, MONDO:0015356.
Pancreatic cancer, susceptibility to, 3. Identifiers: Orphanet 1333, MedGen C3150547, MONDO:0013236, OMIM 613348.
Fanconi anemia complementation group N. Also called: PALB2-Related Fanconi Anemia. Identifiers: Orphanet 84, MedGen C1835817, MONDO:0012565, OMIM 610832. Disease mechanism: loss of function.
Familial cancer of breast. Also called: BREAST CANCER, FAMILIAL; hereditary breast carcinoma; Hereditary breast cancer. Identifiers: Orphanet 227535, MedGen C0346153, MONDO:0016419, OMIM 114480. Disease mechanism: loss of function.

Allele frequency attached by ClinVar (database versions not stated): gnomAD exomes below 0.00001; TOPMed below 0.00001.
gnomAD v4.1: 1 of 1,614,008 alleles (0.000062%); highest among the groups gnomAD compares: Non-Finnish European, 0.000085%; no homozygotes.

Submissions (5):

Labcorp Genetics (formerly Invitae), Labcorp
Classification: Uncertain significance for Familial cancer of breast. Last evaluated: 2025-08-11. Review status: criteria provided, single submitter. Criteria: Invitae Variant Classification Sherloc (09022015). Collection method: clinical testing. Allele origin: germline.
Comment: This sequence change replaces serine, which is neutral and polar, with threonine, which is neutral and polar, at codon 372 of the PALB2 protein (p.Ser372Thr). This variant is present in population databases (rs786204243, gnomAD 0.0009%). This variant has not been reported in the literature in individuals affected with PALB2-related conditions. ClinVar contains an entry for this variant (Variation ID: 188377). Invitae Evidence Modeling of protein sequence and biophysical properties (such as structural, functional, and spatial information, amino acid conservation, physicochemical variation, residue mobility, and thermodynamic stability) indicates that this missense variant is not expected to disrupt PALB2 protein function with a negative predictive value of 80%. In summary, the available evidence is currently insufficient to determine the role of this variant in disease. Therefore, it has been classified as a Variant of Uncertain Significance.

Blueprint Genetics
Classification: Likely benign. Last evaluated: 2024-10-10. Review status: criteria provided, single submitter. Criteria: ACMG Guidelines, 2015. Collection method: clinical testing. Allele origin: germline.

Ambry Genetics
Classification: Likely benign for Hereditary cancer-predisposing syndrome. Last evaluated: 2023-11-16. Review status: criteria provided, single submitter. Criteria: Ambry Variant Classification Scheme 2023. Collection method: clinical testing. Allele origin: germline.

Color Diagnostics, LLC DBA Color Health
Classification: Uncertain significance for Hereditary cancer-predisposing syndrome. Last evaluated: 2022-12-07. Review status: criteria provided, single submitter. Criteria: ACMG Guidelines, 2015. Collection method: clinical testing. Allele origin: germline.
Comment: This missense variant replaces serine with threonine at codon 372 of the PALB2 protein. Computational prediction suggests that this variant may not impact protein structure and function (internally defined REVEL score threshold <= 0.5, PMID: 27666373). To our knowledge, functional studies have not been reported for this variant. This variant has not been reported as a germline mutation in individuals affected with PALB2-related disorders in the literature. This variant has been identified in 1/251308 chromosomes in the general population by the Genome Aggregation Database (gnomAD). The available evidence is insufficient to determine the role of this variant in disease conclusively. Therefore, this variant is classified as a Variant of Uncertain Significance.

Fulgent Genetics
Classification: Uncertain significance for Familial cancer of breast; Fanconi anemia complementation group N; Pancreatic cancer, susceptibility to, 3. Last evaluated: 2018-10-31. Review status: criteria provided, single submitter. Criteria: ACMG Guidelines, 2015. Collection method: clinical testing. Allele origin: unknown.